The following is an entry in ClinVar:

NM_001903.5(CTNNA1):c.434C>G (p.Ala145Gly)

Gene: CTNNA1 (catenin alpha 1; plus strand). Cytogenetic location: 5q31.2.
Variant type: single nucleotide variant.
Coding change: c.434C>G on transcript NM_001903.5 (MANE Select); coding-DNA position 434, C replaced by G.
Protein change: p.Ala145Gly; replaces alanine 145 with glycine.
Molecular consequence: missense variant.
Genome position (GRCh38, 1-based): chr5:138,810,170, C>G. VCF-style: chr5-138810170-C-G. GRCh37 (hg19) VCF-style: chr5-138145859-C-G.
Other names: c.434C>G, p.Ala145Gly (NM_001290307.3, NM_001323982.2, NM_001323983.1 and 3 more transcripts); c.125C>G, p.Ala42Gly (NM_001290309.3); c.65C>G, p.Ala22Gly (NM_001290310.3); short protein forms A145G, A22G, A42G.
Identifiers: ClinVar variation 3221917 (VCV003221917.1), dbSNP rs1758530496, ClinGen allele CA361123489.

ClinVar aggregate classification (germline): Uncertain significance (1 of 4 stars; one submission).

Conditions:
Hereditary cancer-predisposing syndrome. Also called: Tumor predisposition; Hereditary neoplastic syndrome; Hereditary Cancer Syndrome; Neoplastic Syndromes, Hereditary. Identifiers: Orphanet 140162, MedGen C0027672, MeSH D009386, MONDO:0015356.

Submission:

Ambry Genetics
Classification: Uncertain significance for Hereditary cancer-predisposing syndrome. Last evaluated: 2023-09-15. Review status: criteria provided, single submitter. Criteria: Ambry Variant Classification Scheme 2023. Collection method: clinical testing. Allele origin: germline.
Comment: The p.A145G variant (also known as c.434C>G), located in coding exon 3 of the CTNNA1 gene, results from a C to G substitution at nucleotide position 434. The alanine at codon 145 is replaced by glycine, an amino acid with similar properties. This amino acid position is conserved. In addition, this alteration is predicted to be tolerated by in silico analysis. Since supporting evidence is limited at this time, the clinical significance of this alteration remains unclear.